The following is an entry in ClinVar:

NM_001852.4(COL9A2):c.955-4C>G

Gene: COL9A2 (collagen type IX alpha 2 chain; minus strand). Cytogenetic location: 1p34.2.
Variant type: single nucleotide variant.
Coding change: c.955-4C>G on transcript NM_001852.4 (MANE Select); 4 bases into the intron before coding-DNA position 955, C replaced by G.
Molecular consequence: intron variant.
Genome position (GRCh38, 1-based): chr1:40,307,503, G>C on the plus strand (C>G on the coding strand, the complement: COL9A2 is on the minus strand). VCF-style: chr1-40307503-G-C. GRCh37 (hg19) VCF-style: chr1-40773175-G-C.
Other names: p.?.
Identifiers: ClinVar variation 258397 (VCV000258397.26), dbSNP rs118135975, ClinGen allele CA791652.

ClinVar aggregate classification (germline): Benign/Likely benign. Review status: criteria provided, multiple submitters, no conflicts (2 of 4 stars). 13 submissions from 13 submitters: Benign (9); Likely benign (1). 3 of the submissions do not count toward it. Last evaluated 2026-05-11.

Conditions:
Connective tissue disorder. Also called: Connective tissue disease. Identifiers: MedGen C0009782, MONDO:0003900.
Epiphyseal dysplasia, multiple, 2 (EDM2). Also called: COL9A2-Related Multiple Epiphyseal Dysplasia. Identifiers: MedGen C1838429, MONDO:0010844, OMIM 600204.

Allele frequency attached by ClinVar (database versions not stated): ESP Exome Variant Server 0.01438; 1000 Genomes Project 30x 0.01546; 1000 Genomes Project 0.01558; gnomAD 0.01769 and 0.01678; ExAC 0.02686; gnomAD exomes 0.02711; TOPMed 0.01657.
gnomAD v4.1: 33,175 of 1,613,626 alleles (2.1%); highest among the groups gnomAD compares: Admixed American, 4.3%; 466 homozygotes.

Submissions (13):

Women's Health and Genetics/Laboratory Corporation of America, LabCorp
Classification: Benign. Last evaluated: 2026-05-11. Review status: criteria provided, single submitter. Criteria: LabCorp Variant Classification Summary - May 2015. Collection method: clinical testing. Allele origin: germline.

Labcorp Genetics (formerly Invitae), Labcorp
Classification: Benign. Last evaluated: 2026-02-04. Review status: criteria provided, single submitter. Criteria: Invitae Variant Classification Sherloc (09022015). Collection method: clinical testing. Allele origin: germline.

Blueprint Genetics
Classification: Likely benign. Last evaluated: 2024-11-26. Review status: criteria provided, single submitter. Criteria: ACMG Guidelines, 2015. Collection method: clinical testing. Allele origin: germline.

Genome Diagnostics Laboratory, The Hospital for Sick Children
Classification: Benign for Connective tissue disorder. Last evaluated: 2022-02-12. Review status: criteria provided, single submitter. Criteria: ACMG Guidelines, 2015. Collection method: clinical testing. Allele origin: germline.

Mayo Clinic Laboratories, Mayo Clinic
Classification: Benign. Last evaluated: 2022-01-30. Review status: criteria provided, single submitter. Criteria: ACMG Guidelines, 2015. Collection method: clinical testing. Allele origin: germline. Observed: 7 variant alleles.

Athena Diagnostics
Classification: Benign. Last evaluated: 2019-03-11. Review status: criteria provided, single submitter. Criteria: Athena Diagnostics Criteria. Collection method: clinical testing. Allele origin: germline.

Illumina Laboratory Services, Illumina
Classification: Benign for Epiphyseal dysplasia, multiple, 2. Last evaluated: 2018-01-13. Review status: criteria provided, single submitter. Criteria: ICSL Variant Classification Criteria 13 December 2019. Collection method: clinical testing. Allele origin: germline.
Comment: This variant was observed in the ICSL laboratory as part of a predisposition screen in an ostensibly healthy population. It had not been previously curated by ICSL or reported in the Human Gene Mutation Database (HGMD: prior to June 1st, 2018), and was therefore a candidate for classification through an automated scoring system. Utilizing variant allele frequency, disease prevalence and penetrance estimates, and inheritance mode, an automated score was calculated to assess if this variant is too frequent to cause the disease. Based on the score and internal cut-off values, a variant classified as benign is not then subjected to further curation. The score for this variant resulted in a classification of benign for this disease.

GeneDx
Classification: Benign. Last evaluated: 2016-12-30. Review status: criteria provided, single submitter. Criteria: GeneDx Variant Classification (06012015). Collection method: clinical testing. Allele origin: germline. Affected: yes.
Comment: This variant is considered likely benign or benign based on one or more of the following criteria: it is a conservative change, it occurs at a poorly conserved position in the protein, it is predicted to be benign by multiple in silico algorithms, and/or has population frequency not consistent with disease.

Breakthrough Genomics
Classification: Benign. Review status: criteria provided, single submitter. Criteria: ACMG Guidelines, 2015. Collection method: not provided. Allele origin: germline. Inheritance: Autosomal recessive inheritance. Affected: yes.

PreventionGenetics, part of Exact Sciences
Classification: Benign. Review status: criteria provided, single submitter. Criteria: ACMG Guidelines, 2015. Collection method: clinical testing. Allele origin: germline.

Genome Diagnostics Laboratory, Amsterdam University Medical Center
Classification: Benign. Review status: no assertion criteria provided. Collection method: clinical testing. Allele origin: germline. Affected: yes. Study: VKGL Data-share Consensus. Not counted in ClinVar's aggregate classification.

Joint Genome Diagnostic Labs from Nijmegen and Maastricht, Radboudumc and MUMC+
Classification: Benign. Review status: no assertion criteria provided. Collection method: clinical testing. Allele origin: germline. Affected: yes. Study: VKGL Data-share Consensus. Not counted in ClinVar's aggregate classification.

Laboratory of Diagnostic Genome Analysis, Leiden University Medical Center (LUMC)
Classification: Likely benign. Review status: no assertion criteria provided. Collection method: clinical testing. Allele origin: germline. Affected: yes. Study: VKGL Data-share Consensus. Not counted in ClinVar's aggregate classification.